The following is an entry in ClinVar:

NM_001267550.2(TTN):c.31735A>C (p.Lys10579Gln)

Gene: TTN (titin; minus strand). Cytogenetic location: 2q31.2.
Variant type: single nucleotide variant.
Coding change: c.31735A>C on transcript NM_001267550.2 (MANE Select); coding-DNA position 31735, A replaced by C.
Protein change: p.Lys10579Gln; replaces lysine 10579 with glutamine.
Molecular consequence: missense variant. On other transcripts: intron variant (3).
Genome position (GRCh38, 1-based): chr2:178,692,043, T>G on the plus strand (A>C on the coding strand, the complement: TTN is on the minus strand). VCF-style: chr2-178692043-T-G. GRCh37 (hg19) VCF-style: chr2-179556770-T-G.
Other names: c.28003A>C, p.Lys9335Gln (NM_133378.4); c.30784A>C, p.Lys10262Gln (NM_001256850.1); c.13282+46039A>C (NM_003319.4); c.13858+46039A>C (NM_133437.4); c.13657+46039A>C (NM_133432.3); c.31735A>C (NM_001267550.1); short protein forms K10579Q, K9335Q, K10262Q.
Identifiers: ClinVar variation 191996 (VCV000191996.23), dbSNP rs376287951, ClinGen allele CA238057.
Genomic context (GRCh38, chr2:178,692,043, plus strand): 5'-CAAAGAGTCTCCCCATCATTGGCTCTGGCGTACCTTTTGGGGGAGCAGCAGGTTCCTTCT[T>G]AGGCACAGGAACTGGCTTTTTCTCCTCTGGCACGGGTTTCTTGGGAACCTCAGGAACTTT-3'
Protein context (NP_001254479.2, residues 10569-10589): PEEKKPVPVP[Lys10579Gln]KEPAAPPKVP

ClinVar aggregate classification (germline): Conflicting classifications of pathogenicity. Review status: criteria provided, conflicting classifications (1 of 4 stars). 15 submissions from 11 submitters: Uncertain significance (11); Benign (2). 2 of the submissions do not count toward it. Last evaluated 2023-11-10.

Conditions:
TTN-related disorder. Also called: TTN-related condition; TTN-related disease; TTN-related disorders.
Dilated cardiomyopathy 1G (CMD1G). Identifiers: Orphanet 154, MedGen C1858763, MONDO:0011400, OMIM 604145.
Autosomal recessive limb-girdle muscular dystrophy type 2J (LGMDR10). Also called: MUSCULAR DYSTROPHY, LIMB-GIRDLE, AUTOSOMAL RECESSIVE 10; Limb-girdle muscular dystrophy, type 2J. Identifiers: Orphanet 140922, MedGen C1837342, MONDO:0012127, OMIM 608807.
Early-onset myopathy with fatal cardiomyopathy (CMYO5). Also called: CONGENITAL MYOPATHY 5 WITH CARDIOMYOPATHY; Salih Myopathy. Identifiers: Orphanet 289377, MedGen C2673677, MONDO:0012714, OMIM 611705. Disease mechanism: loss of function.
Myopathy, myofibrillar, 9, with early respiratory failure (MFM9). Also called: EDSTROM MYOPATHY; MYOPATHY, PROXIMAL, WITH EARLY RESPIRATORY MUSCLE INVOLVEMENT; Myopathy, distal, with early respiratory failure, autosomal dominant; Hereditary myopathy with early respiratory failure. Identifiers: Orphanet 178464, Orphanet 34521, MedGen C1863599, MONDO:0011362, OMIM 603689.
Tibial muscular dystrophy (TMD). Also called: UDD MYOPATHY; Tibial muscular dystrophy, tardive; Udd Distal Myopathy – Tibial Muscular Dystrophy. Identifiers: Orphanet 609, MedGen C1838244, MONDO:0010870, OMIM 600334.

Allele frequency attached by ClinVar (database versions not stated): gnomAD 0.00003 and 0.00006; gnomAD exomes 0.00003 and 0.00008; TOPMed 0.00003; ExAC 0.00007; 1000 Genomes Project 30x 0.00016; 1000 Genomes Project 0.00020.
gnomAD v4.1: 67 of 1,613,162 alleles (0.0042%); highest among the groups gnomAD compares: East Asian, 0.045%; no homozygotes.

Submissions (15):

Women's Health and Genetics/Laboratory Corporation of America, LabCorp
Classification: Uncertain significance. Last evaluated: 2023-11-10. Review status: criteria provided, single submitter. Criteria: LabCorp Variant Classification Summary - May 2015. Collection method: clinical testing. Allele origin: germline.
Comment: Variant summary: TTN c.28003A>C (p.Lys9335Gln) results in a conservative amino acid change located in the I-band region of the encoded protein sequence. Three of four in-silico tools predict a benign effect of the variant on protein function. The variant allele was found at a frequency of 8e-05 in 248950 control chromosomes. To our knowledge, no occurrence of c.28003A>C in individuals affected with Limb-Girdle Muscular Dystrophy, Type 2J, or other TTN-related diseases and no experimental evidence demonstrating its impact on protein function have been reported. Five submitters have cited clinical-significance assessments for this variant to ClinVar after 2014 (VUS, n=4; Benign, n=1). Based on the evidence outlined above, the variant was classified as uncertain significance.

Revvity Omics, Revvity
Classification: Uncertain significance. Last evaluated: 2023-05-19. Review status: criteria provided, single submitter. Criteria: ACMG Guidelines, 2015. Collection method: clinical testing. Allele origin: germline.

PreventionGenetics, part of Exact Sciences
Classification: Uncertain significance for TTN-related condition. Last evaluated: 2022-09-28. Review status: criteria provided, single submitter. Criteria: ACMG Guidelines, 2015. Collection method: clinical testing. Allele origin: germline.
Comment: The TTN c.31735A>C variant is predicted to result in the amino acid substitution p.Lys10579Gln. To our knowledge, this variant has not been reported in the literature. This variant is reported in 0.087% of alleles in individuals of East Asian descent in gnomAD. At this time, the clinical significance of this variant is uncertain due to the absence of conclusive functional and genetic evidence.

Victorian Clinical Genetics Services, Murdoch Childrens Research Institute
Classification: Uncertain significance for Dilated cardiomyopathy 1G. Last evaluated: 2019-08-28. Review status: criteria provided, single submitter. Criteria: ACMG Guidelines, 2015. Collection method: clinical testing. Allele origin: germline.
Comment: A heterozygous missense variant was identified, NM_001267550.1(TTN):c.31735A>C in exon 121 of 363 of the TTN gene. (NB: This variant is non-coding in NM_003319.4.) This substitution is predicted to create a minor amino acid change from lysine to glutamine at position 10579 of the protein, NP_001254479.1(TTN):p.(Lys10579Gln). The lysine at this position has moderate conservation (100 vertebrates, UCSC), and is located within the PEVK 2 repeat region. In silico software predictions of the pathogenicity of this variant are conflicting (Polyphen, CADD, Mutation Taster). The variant is present in the gnomAD population database at frequencies of 0.09% (17 heterozygotes, 0 homozygotes) and 0.008% (23 heterozygotes, 0 homozygotes) in the East Asian subpopulation and the global population, respectively. It has been previously reported as a VUS in clinical cases (ClinVar, LOVD). Based on information available at the time of curation, this variant has been classified as a VARIANT of UNCERTAIN SIGNIFICANCE (VUS).

Illumina Laboratory Services, Illumina
Classification: Uncertain significance for Dilated cardiomyopathy 1G. Last evaluated: 2018-01-13. Review status: criteria provided, single submitter. Criteria: ICSL Variant Classification Criteria 13 December 2019. Collection method: clinical testing. Allele origin: germline.

Illumina Laboratory Services, Illumina
Classification: Uncertain significance for Autosomal recessive limb-girdle muscular dystrophy type 2J. Last evaluated: 2018-01-13. Review status: criteria provided, single submitter. Criteria: ICSL Variant Classification Criteria 13 December 2019. Collection method: clinical testing. Allele origin: germline.

Illumina Laboratory Services, Illumina
Classification: Benign for Myopathy, myofibrillar, 9, with early respiratory failure. Last evaluated: 2018-01-13. Review status: criteria provided, single submitter. Criteria: ICSL Variant Classification Criteria 13 December 2019. Collection method: clinical testing. Allele origin: germline.
Comment: This variant was observed in the ICSL laboratory as part of a predisposition screen in an ostensibly healthy population. It had not been previously curated by ICSL or reported in the Human Gene Mutation Database (HGMD: prior to June 1st, 2018), and was therefore a candidate for classification through an automated scoring system. Utilizing variant allele frequency, disease prevalence and penetrance estimates, and inheritance mode, an automated score was calculated to assess if this variant is too frequent to cause the disease. Based on the score and internal cut-off values, a variant classified as benign is not then subjected to further curation. The score for this variant resulted in a classification of benign for this disease.

Illumina Laboratory Services, Illumina
Classification: Benign for Tibial muscular dystrophy. Last evaluated: 2018-01-13. Review status: criteria provided, single submitter. Criteria: ICSL Variant Classification Criteria 13 December 2019. Collection method: clinical testing. Allele origin: germline.
Comment: the same text as in the submission from Illumina Laboratory Services, Illumina above.

Illumina Laboratory Services, Illumina
Classification: Uncertain significance for Early-onset myopathy with fatal cardiomyopathy. Last evaluated: 2018-01-13. Review status: criteria provided, single submitter. Criteria: ICSL Variant Classification Criteria 13 December 2019. Collection method: clinical testing. Allele origin: germline.

Labcorp Genetics (formerly Invitae), Labcorp
Classification: Uncertain significance for Dilated cardiomyopathy 1G; Autosomal recessive limb-girdle muscular dystrophy type 2J. Last evaluated: 2017-04-20. Review status: criteria provided, single submitter. Criteria: Invitae Variant Classification Sherloc (09022015). Collection method: clinical testing. Allele origin: germline.

Eurofins Ntd Llc (ga)
Classification: Uncertain significance. Last evaluated: 2017-01-11. Review status: criteria provided, single submitter. Criteria: EGL Classification Definitions 2015. Collection method: clinical testing. Allele origin: germline. Observed: 1 variant allele, 1 heterozygote.

Laboratory for Molecular Medicine, Mass General Brigham Personalized Medicine
Classification: Uncertain significance. Last evaluated: 2015-06-25. Review status: criteria provided, single submitter. Criteria: LMM Criteria. Collection method: clinical testing. Allele origin: germline. Observed: 1 variant allele.
Comment: The p.Lys9335Gln variant in TTN has not been previously reported in individuals with cardiomyopathy, but has been identified in 7/8600 East Asian chromosomes by the Exome Aggregation Consortium (ExAC; dbSNP r s376287951). Computational prediction tools and conservation analysis do not pro vide strong support for or against an impact to the protein. In summary, the cli nical significance of the p.Lys9335Gln variant is uncertain.

Biesecker Lab/Clinical Genomics Section, National Institutes of Health
Classification: Uncertain significance. Last evaluated: 2013-06-24. Review status: criteria provided, single submitter. Criteria: Ng et al. (Circ Cardiovasc Genet. 2013). Collection method: research. Allele origin: unknown. Observed: 1 variant allele. Study: ClinSeq.
Comment: The study set was not selected for affection status in relation to any cancer. Pathogenicity categories were based on literature curation. See Pubmed ID:23861362 for details.

Medical sequencing

Clinical Genetics DNA and cytogenetics Diagnostics Lab, Erasmus MC, Erasmus Medical Center
Classification: Uncertain significance. Review status: no assertion criteria provided. Collection method: clinical testing. Allele origin: germline. Affected: yes. Study: VKGL Data-share Consensus. Not counted in ClinVar's aggregate classification.

Clinical Genetics, Academic Medical Center
Classification: Uncertain significance. Review status: no assertion criteria provided. Collection method: clinical testing. Allele origin: germline. Affected: yes. Study: VKGL Data-share Consensus. Not counted in ClinVar's aggregate classification.